The following is an entry in ClinVar:

NM_000264.5(PTCH1):c.735A>G (p.Thr245=)

Gene: PTCH1 (patched 1; minus strand). Cytogenetic location: 9q22.32.
Variant type: single nucleotide variant.
Coding change: c.735A>G on transcript NM_000264.5 (MANE Select); coding-DNA position 735, A replaced by G.
Protein change: p.Thr245=; no amino-acid change (threonine 245 retained).
Molecular consequence: synonymous variant. On other transcripts: non-coding transcript variant (1).
Genome position (GRCh38, 1-based): chr9:95,481,960, T>C on the plus strand (A>G on the coding strand, the complement: PTCH1 is on the minus strand). VCF-style: chr9-95481960-T-C. GRCh37 (hg19) VCF-style: chr9-98244242-T-C.
Other names: p.Thr245=; c.537A>G, p.Thr179= (NM_001083602.3, NM_001354919.2); c.732A>G, p.Thr244= (NM_001083603.3); c.282A>G, p.Thr94= (NM_001083604.3, NM_001083605.3, NM_001083606.3 and 1 more transcripts); c.735A>G, p.Thr245= (NM_001354918.2).
Identifiers: ClinVar variation 132726 (VCV000132726.38), dbSNP rs1805154, ClinGen allele CA332031.

ClinVar aggregate classification (germline): Benign/Likely benign. Review status: criteria provided, multiple submitters, no conflicts (2 of 4 stars). 17 submissions from 16 submitters: Benign (13); Likely benign (1). 3 of the submissions do not count toward it. Last evaluated 2026-02-04.

Conditions:
Basal cell carcinoma, susceptibility to, 1. Also called: BCC1. Identifiers: MedGen C2751544, MONDO:0011556, OMIM 605462.
Holoprosencephaly 7 (HPE7). Identifiers: Orphanet 2162, MedGen C1835820, MONDO:0012562, OMIM 610828.
Basal cell nevus syndrome 1 (BCNS1). Also called: GORLIN-GOLTZ SYNDROME; MULTIPLE BASAL CELL NEVI, ODONTOGENIC KERATOCYSTS, AND SKELETAL ANOMALIES. Identifiers: MedGen CN376810, MONDO:0958174, OMIM 109400.
Hereditary cancer-predisposing syndrome. Also called: Hereditary neoplastic syndrome; Tumor predisposition; Neoplastic Syndromes, Hereditary; Hereditary Cancer Syndrome. Identifiers: Orphanet 140162, MedGen C0027672, MeSH D009386, MONDO:0015356.
Gorlin syndrome. Also called: Nevoid Basal Cell Carcinoma Syndrome; Basal cell nevus syndrome. Identifiers: Orphanet 377, MedGen C0004779, MONDO:0007187.

Allele frequency attached by ClinVar (database versions not stated): 1000 Genomes Project 0.00938; 1000 Genomes Project 30x 0.01015; TOPMed 0.02186; gnomAD 0.02190 and 0.02243; gnomAD exomes 0.02241 and 0.03128; ExAC 0.02294; ESP Exome Variant Server 0.02760.
gnomAD v4.1: 48,728 of 1,610,610 alleles (3%); highest among the groups gnomAD compares: Non-Finnish European, 3.6%; 953 homozygotes.

Submissions (17):

Labcorp Genetics (formerly Invitae), Labcorp
Classification: Benign for Gorlin syndrome. Last evaluated: 2026-02-04. Review status: criteria provided, single submitter. Criteria: Invitae Variant Classification Sherloc (09022015). Collection method: clinical testing. Allele origin: germline.

Mayo Clinic Laboratories, Mayo Clinic
Classification: Likely benign. Last evaluated: 2025-06-09. Review status: criteria provided, single submitter. Criteria: ACMG Guidelines, 2015. Collection method: clinical testing. Allele origin: germline. Observed: 20 variant alleles.
Comment: BS1, BP4, BP7

Quest Diagnostics Nichols Institute San Juan Capistrano
Classification: Benign. Last evaluated: 2025-04-03. Review status: criteria provided, single submitter. Criteria: Quest Diagnostics criteria. Collection method: clinical testing. Allele origin: unknown.

Center for Genomic Medicine, Rigshospitalet, Copenhagen University Hospital
Classification: Benign. Last evaluated: 2025-03-04. Review status: criteria provided, single submitter. Criteria: ACMG Guidelines, 2015. Collection method: clinical testing. Allele origin: germline.

Blueprint Genetics
Classification: Benign. Last evaluated: 2024-11-27. Review status: criteria provided, single submitter. Criteria: ACMG Guidelines, 2015. Collection method: clinical testing. Allele origin: germline.

KCCC/NGS Laboratory, Kuwait Cancer Control Center
Classification: Benign for Basal cell nevus syndrome 1. Last evaluated: 2023-07-07. Review status: criteria provided, single submitter. Criteria: ACMG Guidelines, 2015. Collection method: clinical testing. Allele origin: germline. Affected: yes.

Department of Pathology and Laboratory Medicine, Sinai Health System
Classification: Benign for Basal cell nevus syndrome 1; Basal cell carcinoma, susceptibility to, 1; Holoprosencephaly 7. Last evaluated: 2021-07-26. Review status: criteria provided, single submitter. Criteria: ACMG Guidelines, 2015. Collection method: clinical testing. Allele origin: germline. Affected: yes.

Illumina Laboratory Services, Illumina
Classification: Benign for Holoprosencephaly 7. Last evaluated: 2018-01-12. Review status: criteria provided, single submitter. Criteria: ICSL Variant Classification Criteria 13 December 2019. Collection method: clinical testing. Allele origin: germline.
Comment: This variant was observed in the ICSL laboratory as part of a predisposition screen in an ostensibly healthy population. It had not been previously curated by ICSL or reported in the Human Gene Mutation Database (HGMD: prior to June 1st, 2018), and was therefore a candidate for classification through an automated scoring system. Utilizing variant allele frequency, disease prevalence and penetrance estimates, and inheritance mode, an automated score was calculated to assess if this variant is too frequent to cause the disease. Based on the score and internal cut-off values, a variant classified as benign is not then subjected to further curation. The score for this variant resulted in a classification of benign for this disease.

Illumina Laboratory Services, Illumina
Classification: Benign for Basal cell nevus syndrome 1. Last evaluated: 2018-01-12. Review status: criteria provided, single submitter. Criteria: ICSL Variant Classification Criteria 13 December 2019. Collection method: clinical testing. Allele origin: germline.
Comment: the same text as in the submission from Illumina Laboratory Services, Illumina above.

Women's Health and Genetics/Laboratory Corporation of America, LabCorp
Classification: Benign. Last evaluated: 2016-05-24. Review status: criteria provided, single submitter. Criteria: LabCorp Variant Classification Summary - May 2015. Collection method: clinical testing. Allele origin: germline.
Comment: Variant summary: The PTCH1 c.735A>G (p.Thr245Thr) variant involves the alteration of a non-conserved nucleotide, resulting in a synonymous change. One in silico tool predicts a polymorphism outcome for this variant along with 5/5 splice site prediction tools predicting the variant not to have an impact on splicing. This variant was found in 2760/120306 control chromosomes (42 homozygotes) at a frequency of 0.0229415, which is approximately 1339 times the estimated maximal expected allele frequency of a pathogenic PTCH1 variant (0.0000171), suggesting this variant is likely a benign polymorphism. One clinical diagnostic laboratory classified this variant as Benign. Additionally, the variant has been reported in the literature as a polymorphism (Musani_Gene_2013).Taken together and based on the high frequency in the general population, this variant is classified as Benign.

Ambry Genetics
Classification: Benign for Hereditary cancer-predisposing syndrome. Last evaluated: 2016-05-04. Review status: criteria provided, single submitter. Criteria: Ambry Variant Classification Scheme 2023. Collection method: clinical testing. Allele origin: germline.

GeneDx
Classification: Benign. Last evaluated: 2015-03-03. Review status: criteria provided, single submitter. Criteria: GeneDx Variant Classification Process June 2021. Collection method: clinical testing. Allele origin: germline. Affected: yes.

Breakthrough Genomics
Classification: Benign. Review status: criteria provided, single submitter. Criteria: ACMG Guidelines, 2015. Collection method: not provided. Allele origin: germline. Inheritance: Autosomal dominant inheritance. Affected: yes.

PreventionGenetics, part of Exact Sciences
Classification: Benign. Review status: criteria provided, single submitter. Criteria: ACMG Guidelines, 2015. Collection method: clinical testing. Allele origin: germline.

Genome Diagnostics Laboratory, Amsterdam University Medical Center
Classification: Benign. Review status: no assertion criteria provided. Collection method: clinical testing. Allele origin: germline. Affected: yes. Study: VKGL Data-share Consensus. Not counted in ClinVar's aggregate classification.

Joint Genome Diagnostic Labs from Nijmegen and Maastricht, Radboudumc and MUMC+
Classification: Benign. Review status: no assertion criteria provided. Collection method: clinical testing. Allele origin: germline. Affected: yes. Study: VKGL Data-share Consensus. Not counted in ClinVar's aggregate classification.

Laboratory of Diagnostic Genome Analysis, Leiden University Medical Center (LUMC)
Classification: Likely benign. Review status: no assertion criteria provided. Collection method: clinical testing. Allele origin: germline. Affected: yes. Study: VKGL Data-share Consensus. Not counted in ClinVar's aggregate classification.

Literature cited by the submitters: PubMed 23313819 (cited by Women's Health and Genetics/Laboratory Corporation of America, LabCorp).